The following is an entry in ClinVar:

NM_001142800.2(EYS):c.3061G>A (p.Asp1021Asn)

Gene: EYS (EGF-like photoreceptor maintenance factor; minus strand). Cytogenetic location: 6q12.
Variant type: single nucleotide variant.
Coding change: c.3061G>A on transcript NM_001142800.2 (MANE Select); coding-DNA position 3061, G replaced by A.
Protein change: p.Asp1021Asn; replaces aspartic acid 1021 with asparagine.
Molecular consequence: missense variant.
Genome position (GRCh38, 1-based): chr6:64,822,754, C>T on the plus strand (G>A on the coding strand, the complement: EYS is on the minus strand). VCF-style: chr6-64822754-C-T. GRCh37 (hg19) VCF-style: chr6-65532647-C-T.
Other names: c.3061G>A (NM_001142800.1); c.3061G>A, p.Asp1021Asn (NM_001292009.2); short protein forms D1021N.
Identifiers: ClinVar variation 1423512 (VCV001423512.7), dbSNP rs750283324, ClinGen allele CA3877221.

ClinVar aggregate classification (germline): Uncertain significance. Review status: criteria provided, multiple submitters, no conflicts (2 of 4 stars). 3 submissions from 3 submitters: Uncertain significance (3). Last evaluated 2025-03-19.

Conditions:
EYS-related disorder. Also called: EYS-related condition.
Inborn genetic diseases. Identifiers: MedGen C0950123, MeSH D030342.

Allele frequency attached by ClinVar (database versions not stated): TOPMed 0.00003; gnomAD 0.00004; gnomAD exomes 0.00008.
gnomAD v4.1: 115 of 1,549,916 alleles (0.0074%); highest among the groups gnomAD compares: Non-Finnish European, 0.0088%; no homozygotes.

Submissions (3):

PreventionGenetics, part of Exact Sciences
Classification: Uncertain significance for EYS-related condition. Last evaluated: 2025-03-19. Review status: criteria provided, single submitter. Criteria: ACMG Guidelines, 2015. Collection method: clinical testing. Allele origin: germline.
Comment: The EYS c.3061G>A variant is predicted to result in the amino acid substitution p.Asp1021Asn. To our knowledge, this variant has not been reported in the literature. This variant is reported in 0.0067% of alleles in individuals of European (Non-Finnish) descent in gnomAD. At this time, the clinical significance of this variant is uncertain due to the absence of conclusive functional and genetic evidence.

Ambry Genetics
Classification: Uncertain significance for Inborn genetic diseases. Last evaluated: 2022-12-21. Review status: criteria provided, single submitter. Criteria: Ambry Variant Classification Scheme 2023. Collection method: clinical testing. Allele origin: germline.

Labcorp Genetics (formerly Invitae), Labcorp
Classification: Uncertain significance. Last evaluated: 2022-08-09. Review status: criteria provided, single submitter. Criteria: Invitae Variant Classification Sherloc (09022015). Collection method: clinical testing. Allele origin: germline.
Comment: This sequence change replaces aspartic acid, which is acidic and polar, with asparagine, which is neutral and polar, at codon 1021 of the EYS protein (p.Asp1021Asn). This variant is present in population databases (rs750283324, gnomAD 0.005%). This variant has not been reported in the literature in individuals affected with EYS-related conditions. ClinVar contains an entry for this variant (Variation ID: 1423512). Algorithms developed to predict the effect of missense changes on protein structure and function are either unavailable or do not agree on the potential impact of this missense change (SIFT: "Deleterious"; PolyPhen-2: "Probably Damaging"; Align-GVGD: "Class C15"). In summary, the available evidence is currently insufficient to determine the role of this variant in disease. Therefore, it has been classified as a Variant of Uncertain Significance.